The following is an entry in ClinVar:

ClinVar aggregate classification (germline): Uncertain significance. Review status: criteria provided, multiple submitters, no conflicts (2 of 4 stars). 2 submissions from 2 submitters: Uncertain significance (2). Last evaluated 2024-11-11.

Conditions:
Hereditary cancer-predisposing syndrome. Also called: Tumor predisposition; Hereditary neoplastic syndrome; Hereditary Cancer Syndrome; Neoplastic Syndromes, Hereditary. Identifiers: Orphanet 140162, MedGen C0027672, MeSH D009386, MONDO:0015356.
Hereditary nonpolyposis colorectal neoplasms. Identifiers: MedGen C0009405, MeSH D003123.

Allele frequency attached by ClinVar (database versions not stated): gnomAD exomes below 0.00001; ExAC 0.00002.
gnomAD v4.1: 2 of 1,594,176 alleles (0.00013%); highest among the groups gnomAD compares: South Asian, 0.0011%; no homozygotes.

Submissions (2):

Labcorp Genetics (formerly Invitae), Labcorp
Classification: Uncertain significance for Hereditary nonpolyposis colorectal neoplasms. Last evaluated: 2024-11-11. Review status: criteria provided, single submitter. Criteria: Invitae Variant Classification Sherloc (09022015). Collection method: clinical testing. Allele origin: germline.
Comment: This sequence change replaces valine, which is neutral and non-polar, with isoleucine, which is neutral and non-polar, at codon 803 of the PMS2 protein (p.Val803Ile). The frequency data for this variant in the population databases (gnomAD) is considered unreliable due to the presence of homologous sequence, such as pseudogenes or paralogs, in the genome. This variant has not been reported in the literature in individuals affected with PMS2-related conditions. ClinVar contains an entry for this variant (Variation ID: 1051204). Invitae Evidence Modeling incorporating data from in vitro experimental studies (internal data) indicates that this missense variant is not expected to disrupt PMS2 function with a negative predictive value of 95%. In summary, the available evidence is currently insufficient to determine the role of this variant in disease. Therefore, it has been classified as a Variant of Uncertain Significance.

Ambry Genetics
Classification: Uncertain significance for Hereditary cancer-predisposing syndrome. Last evaluated: 2017-06-14. Review status: criteria provided, single submitter. Criteria: Ambry Variant Classification Scheme 2023. Collection method: clinical testing. Allele origin: germline.
Comment: The p.V803I variant (also known as c.2407G>A), located in coding exon 14 of the PMS2 gene, results from a G to A substitution at nucleotide position 2407. The valine at codon 803 is replaced by isoleucine, an amino acid with highly similar properties. This amino acid position is highly conserved in available vertebrate species. In addition, the in silico prediction for this alteration is inconclusive. Since supporting evidence is limited at this time, the clinical significance of this alteration remains unclear.

NM_000535.7(PMS2):c.2407G>A (p.Val803Ile)

Gene: PMS2 (PMS1 homolog 2, mismatch repair system component; minus strand). Cytogenetic location: 7p22.1.
Variant type: single nucleotide variant.
Coding change: c.2407G>A on transcript NM_000535.7 (MANE Select); coding-DNA position 2407, G replaced by A.
Protein change: p.Val803Ile; replaces valine 803 with isoleucine.
Molecular consequence: missense variant. On other transcripts: non-coding transcript variant (1).
Genome position (GRCh38, 1-based): chr7:5,977,626, C>T on the plus strand (G>A on the coding strand, the complement: PMS2 is on the minus strand). VCF-style: chr7-5977626-C-T. GRCh37 (hg19) VCF-style: chr7-6017257-C-T.
Other names: c.2002G>A, p.Val668Ile (NM_001322003.2, NM_001322004.2, NM_001322005.2); c.2251G>A, p.Val751Ile (NM_001322006.2); c.2089G>A, p.Val697Ile (NM_001322007.2, NM_001322008.2); c.2035G>A, p.Val679Ile (NM_001322009.2); c.1846G>A, p.Val616Ile (NM_001322010.2); c.1474G>A, p.Val492Ile (NM_001322011.2, NM_001322012.2); c.1834G>A, p.Val612Ile (NM_001322013.2); c.2440G>A, p.Val814Ile (NM_001322014.2); and 1 more; short protein forms V492I, V612I, V616I, V668I, V679I, V697I, V700I, V751I.
Identifiers: ClinVar variation 1051204 (VCV001051204.11), dbSNP rs745614929, ClinGen allele CA048050.
Genomic context (GRCh38, chr7:5,977,626, plus strand): 5'-CAGCCAGGCTTTCTTTACTTACCGACTTCCGGCAGGCTCTGGAGGCAAACATCTGCTTGA[C>T]TCGGGAAGGCCGGCACATGACCCCAGGGCTGTCGCTCAGCATGAAGATCAGTTCATCGAC-3'
Protein context (NP_000526.2, residues 793-813): SPGVMCRPSR[Val803Ile]KQMFASRACR